The following is an entry in ClinVar:

NM_000426.4(LAMA2):c.6757_6774del (p.Ala2253_Ser2258del)

Gene: LAMA2 (laminin subunit alpha 2; plus strand). Cytogenetic location: 6q22.33.
Variant type: Deletion.
Coding change: c.6757_6774del on transcript NM_000426.4 (MANE Select); coding-DNA positions 6757 to 6774, 18 bases deleted (GCCAGCATTGTGCCCAGC).
Protein change: p.Ala2253_Ser2258del.
Molecular consequence: inframe deletion.
Genome position (GRCh38, 1-based): chr6:129,456,384-129,456,401, GCCAGCATTGTGCCCAGC deleted. VCF-style (leftmost placement, unchanged base first): chr6-129456383-AGCCAGCATTGTGCCCAGC-A. GRCh37 (hg19) VCF-style: chr6-129777528-AGCCAGCATTGTGCCCAGC-A.
Other names: c.6757_6774del, p.Ala2253_Ser2258del (NM_001079823.2).
Identifiers: ClinVar variation 3026777 (VCV003026777.22), dbSNP rs2533424724, ClinGen allele CA2680307932.
Genomic context (GRCh38, chr6:129,456,383, plus strand): 5'-GTACCCTTGAAGAACTGGGAGAAATGGAACTATTTCTGTGAGAGCCCTGGATGGACCCAA[AGCCAGCATTGTGCCCAGC>A]ACACACCATTCGACGTCTCCTCCAGGGTACACGATTCTAGATGTGGATGCAAATGCAATG-3'

ClinVar aggregate classification (germline): Likely pathogenic (1 of 4 stars; one submission).

Allele frequency attached by ClinVar (database versions not stated): gnomAD exomes below 0.00001.

Submission:

CeGaT Center for Human Genetics Tuebingen
Classification: Likely pathogenic. Last evaluated: 2024-01-01. Review status: criteria provided, single submitter. Criteria: CeGaT Center For Human Genetics Tuebingen Variant Classification Criteria Version 2. Collection method: clinical testing. Allele origin: germline. Affected: yes. Observed: 1 variant allele.
Comment: LAMA2: PM2, PM3, PM4